The following is an entry in ClinVar:

NM_000057.4(BLM):c.97dup (p.Ser33fs)

Gene: BLM (BLM RecQ like helicase; plus strand). Cytogenetic location: 15q26.1.
Variant type: Duplication.
Coding change: c.97dup on transcript NM_000057.4 (MANE Select); coding-DNA position 97, one base duplicated (T; older notation c.97dupT).
Protein change: p.Ser33fs; shifts the reading frame from serine 33.
Molecular consequence: frameshift variant. On other transcripts: 5 prime UTR variant (1).
Genome position (GRCh38, 1-based): chr15:90,747,489, T duplicated; the last of 4 consecutive T bases (chr15:90,747,486-90,747,489); duplicating any one gives the same sequence. VCF-style (leftmost placement, unchanged base first): chr15-90747485-A-AT. GRCh37 (hg19) VCF-style: chr15-91290715-A-AT.
Other names: c.97dup, p.Ser33fs (NM_001287246.2, NM_001287247.2); c.-1195dup (NM_001287248.2); short protein forms S33fs.
Identifiers: ClinVar variation 2812951 (VCV002812951.3), dbSNP rs2505385265, ClinGen allele CA2739269752.

ClinVar aggregate classification (germline): Pathogenic (1 of 4 stars; one submission).

Conditions:
Bloom syndrome (BLM). Also called: Bloom-Torre-Machacek syndrome. Identifiers: Orphanet 125, MedGen C0005859, MONDO:0008876, OMIM 210900.

Submission:

Labcorp Genetics (formerly Invitae), Labcorp
Classification: Pathogenic for Bloom syndrome. Last evaluated: 2022-11-08. Review status: criteria provided, single submitter. Criteria: Invitae Variant Classification Sherloc (09022015). Collection method: clinical testing. Allele origin: germline.
Comment: For these reasons, this variant has been classified as Pathogenic. This sequence change creates a premature translational stop signal (p.Ser33Phefs*6) in the BLM gene. It is expected to result in an absent or disrupted protein product. Loss-of-function variants in BLM are known to be pathogenic (PMID: 17407155). This variant is not present in population databases (gnomAD no frequency). This variant has not been reported in the literature in individuals affected with BLM-related conditions.

Literature cited by the submitters: PubMed 17407155.